The following is an entry in ClinVar:

ClinVar aggregate classification (germline): Uncertain significance (1 of 4 stars; one submission).

Conditions:
Catecholaminergic polymorphic ventricular tachycardia 1. Also called: VENTRICULAR TACHYCARDIA, CATECHOLAMINERGIC POLYMORPHIC, 1, WITH OR WITHOUT ATRIAL DYSFUNCTION AND/OR DILATED CARDIOMYOPATHY; VENTRICULAR TACHYCARDIA, STRESS-INDUCED POLYMORPHIC 1; RYR2-Related Catecholaminergic Polymorphic Ventricular Tachycardia. Identifiers: Orphanet 3286, MedGen C1631597, MONDO:0011484, OMIM 604772.

Submission:

Labcorp Genetics (formerly Invitae), Labcorp
Classification: Uncertain significance for Catecholaminergic polymorphic ventricular tachycardia 1. Last evaluated: 2022-03-18. Review status: criteria provided, single submitter. Criteria: Invitae Variant Classification Sherloc (09022015). Collection method: clinical testing. Allele origin: germline.
Comment: This sequence change creates a premature translational stop signal (p.Phe4852Leufs*9) in the RYR2 gene. It is expected to result in an absent or disrupted protein product. However, the current clinical and genetic evidence is not sufficient to establish whether loss-of-function variants in RYR2 cause disease. This variant is not present in population databases (gnomAD no frequency). This variant has not been reported in the literature in individuals affected with RYR2-related conditions. In summary, the available evidence is currently insufficient to determine the role of this variant in disease. Therefore, it has been classified as a Variant of Uncertain Significance.

NM_001035.3(RYR2):c.14556_14559del (p.Phe4852fs)

Gene: RYR2 (ryanodine receptor 2; plus strand). Cytogenetic location: 1q43.
Variant type: Deletion.
Coding change: c.14556_14559del on transcript NM_001035.3 (MANE Select); coding-DNA positions 14556 to 14559, 4 bases deleted (CTTT; older notation c.14556_14559delCTTT).
Protein change: p.Phe4852fs; shifts the reading frame from phenylalanine 4852.
Molecular consequence: frameshift variant.
Genome position (GRCh38, 1-based): chr1:237,819,158-237,819,161, CTTT deleted; deleting any 4 consecutive bases within chr1:237,819,156-237,819,161 gives the same sequence; the c. name uses the placement nearest the transcript's 3' end. VCF-style (leftmost placement, unchanged base first): chr1-237819155-CTTCT-C. GRCh37 (hg19) VCF-style: chr1-237982455-CTTCT-C.
Other names: short protein forms F4852fs.
Identifiers: ClinVar variation 1347868 (VCV001347868.7), dbSNP rs2102825624, ClinGen allele CA2573132884.